The following is an entry in ClinVar:

ClinVar aggregate classification (germline): Uncertain significance. Review status: criteria provided, single submitter (1 of 4 stars). 2 submissions from 2 submitters: Uncertain significance (1). 1 of the submissions does not count toward it. Last evaluated 2019-12-18.

Conditions:
Duchenne muscular dystrophy (DMD). Also called: Duchenne Muscular Dystrophy (DMD); MUSCULAR DYSTROPHY, PSEUDOHYPERTROPHIC PROGRESSIVE, DUCHENNE TYPE. Identifiers: Orphanet 98896, MedGen C0013264, MONDO:0010679, OMIM 310200.
Dystrophin deficiency.
Becker muscular dystrophy (BMD). Also called: MUSCULAR DYSTROPHY, PSEUDOHYPERTROPHIC PROGRESSIVE, BECKER TYPE; Becker Muscular Dystrophy (BMD). Identifiers: Orphanet 98895, MedGen C0917713, MONDO:0010311, OMIM 300376.
Cardiomyopathy (CMYO). Also called: Cardiomyopathies. Identifiers: Orphanet 167848, MedGen C0878544, MONDO:0004994, HP:0001638. Inheritance: Various modes of inheritance.

Submissions (2):

Labcorp Genetics (formerly Invitae), Labcorp
Classification: Uncertain significance for Duchenne muscular dystrophy. Last evaluated: 2019-12-18. Review status: criteria provided, single submitter. Criteria: Invitae Variant Classification Sherloc (09022015). Collection method: clinical testing. Allele origin: germline.
Comment: This variant is not present in population databases (ExAC no frequency). In summary, the available evidence is currently insufficient to determine the role of this variant in disease. Therefore, it has been classified as a Variant of Uncertain Significance. Algorithms developed to predict the effect of missense changes on protein structure and function are either unavailable or do not agree on the potential impact of this missense change (SIFT: "Deleterious"; PolyPhen-2: "Benign"; Align-GVGD: "Class C0"). This variant has not been reported in the literature in individuals with DMD-related conditions. This sequence change replaces lysine with asparagine at codon 411 of the DMD protein (p.Lys411Asn). The lysine residue is highly conserved and there is a moderate physicochemical difference between lysine and asparagine.

Natera, Inc.
Classification: Uncertain significance for Becker muscular dystrophy; Cardiomyopathy; Duchenne muscular dystrophy; Dystrophin deficiency. Last evaluated: 2019-01-18. Review status: no assertion criteria provided. Collection method: clinical testing. Allele origin: germline. Not counted in ClinVar's aggregate classification.

NM_004006.3(DMD):c.1233A>T (p.Lys411Asn)

Gene: DMD (dystrophin; minus strand). Cytogenetic location: Xp21.1.
Variant type: single nucleotide variant.
Coding change: c.1233A>T on transcript NM_004006.3 (MANE Select); coding-DNA position 1233, A replaced by T.
Protein change: p.Lys411Asn; replaces lysine 411 with asparagine.
Molecular consequence: missense variant.
Genome position (GRCh38, 1-based): chrX:32,644,230, T>A on the plus strand (A>T on the coding strand, the complement: DMD is on the minus strand). VCF-style: chrX-32644230-T-A. GRCh37 (hg19) VCF-style: chrX-32662347-T-A.
Other names: c.1209A>T, p.Lys403Asn (NM_000109.4); c.1221A>T, p.Lys407Asn (NM_004009.3); c.864A>T, p.Lys288Asn (NM_004010.3); short protein forms K403N, K407N, K288N, K411N.
Identifiers: ClinVar variation 837629 (VCV000837629.12), dbSNP rs2059646376, ClinGen allele CA412661170.